The following is an entry in ClinVar:

ClinVar aggregate classification (germline): Likely benign (1 of 4 stars; one submission).

Submission:

CeGaT Center for Human Genetics Tuebingen
Classification: Likely benign. Last evaluated: 2026-09-01. Review status: criteria provided, single submitter. Criteria: CeGaT Center For Human Genetics Tuebingen Variant Classification Criteria Version 2. Collection method: clinical testing. Allele origin: germline. Affected: yes. Observed: 1 variant allele.
Comment: POLRMT: BP4, BP7

NM_005035.4(POLRMT):c.1177T>C (p.Leu393=)

Gene: POLRMT (RNA polymerase mitochondrial; minus strand). Cytogenetic location: 19p13.3.
Variant type: single nucleotide variant.
Coding change: c.1177T>C on transcript NM_005035.4 (MANE Select); coding-DNA position 1177, T replaced by C.
Protein change: p.Leu393=; no amino-acid change (leucine 393 retained).
Molecular consequence: synonymous variant. On other transcripts: non-coding transcript variant (1).
Genome position (GRCh38, 1-based): chr19:623,567, A>G on the plus strand (T>C on the coding strand, the complement: POLRMT is on the minus strand). VCF-style: chr19-623567-A-G. GRCh37 (hg19) VCF-style: chr19-623567-A-G.
Other names: c.1177T>C, p.Leu393= (NM_001407805.1, NM_001407806.1, NM_001407807.1 and 10 more transcripts); c.1135T>C, p.Leu379= (NM_001407811.1, NM_001407813.1); c.853T>C, p.Leu285= (NM_001407831.1, NM_001407833.1, NM_001407834.1 and 2 more transcripts).
Identifiers: ClinVar variation 5041127 (VCV005041127.1).
Genomic context (GRCh38, chr19:623,567, plus strand): 5'-ACACCCTGCTGGCCAGCTCCATGTGGAGCTGCTTCTCAAAGAGGCACTGCAGGGTCTTCA[A>G]GGGCAGGTGCAGCTTCGGGTAGGACACACGCCCATCCTGCAGGGATGGGGGTAGTGAGGT-3'
Protein context (NP_005026.3, residues 383-403): RVSYPKLHLP[Leu393=]KTLQCLFEKQ